The following is an entry in ClinVar:

ClinVar aggregate classification (germline): Uncertain significance (1 of 4 stars; one submission).

Conditions:
Cardiovascular phenotype. Identifiers: MedGen CN230736.

gnomAD v4.1: 1 of 1,536,668 alleles (0.000065%); no homozygotes.

Submission:

Ambry Genetics
Classification: Uncertain significance for Cardiovascular phenotype. Last evaluated: 2024-07-29. Review status: criteria provided, single submitter. Criteria: Ambry Variant Classification Scheme 2023. Collection method: clinical testing. Allele origin: germline.
Comment: The p.P931S variant (also known as c.2791C>T), located in coding exon 12 of the KCNH2 gene, results from a C to T substitution at nucleotide position 2791. The proline at codon 931 is replaced by serine, an amino acid with similar properties. This amino acid position is not well conserved in available vertebrate species. In addition, the in silico prediction for this alteration is inconclusive. Based on the available evidence, the clinical significance of this variant remains unclear.

NM_000238.4(KCNH2):c.2791C>T (p.Pro931Ser)

Gene: KCNH2 (potassium voltage-gated channel subfamily H member 2; minus strand). Cytogenetic location: 7q36.1.
Variant type: single nucleotide variant.
Coding change: c.2791C>T on transcript NM_000238.4 (MANE Select); coding-DNA position 2791, C replaced by T.
Protein change: p.Pro931Ser; replaces proline 931 with serine.
Molecular consequence: missense variant.
Genome position (GRCh38, 1-based): chr7:150,947,780, G>A on the plus strand (C>T on the coding strand, the complement: KCNH2 is on the minus strand). VCF-style: chr7-150947780-G-A. GRCh37 (hg19) VCF-style: chr7-150644868-G-A.
Other names: c.2503C>T, p.Pro835Ser (NM_001406753.1); c.1771C>T, p.Pro591Ser (NM_172057.3); short protein forms P835S, P591S, P931S.
Identifiers: ClinVar variation 3532312 (VCV003532312.1).
Genomic context (GRCh38, chr7:150,947,780, plus strand): 5'-TGGAGCTGCGGCCTGGGCCCTCATCCTCACTGCTCTCAGGGCTGGAGGGGCCACTGGACG[G>A]GCTCTCCCCCCACGGCCCCCCCGGCCGGCCCCGGCTACTCGGCCCTGCCCCCGCCCGGCC-3'
Protein context (NP_000229.1, residues 921-941): GRPGGPWGES[Pro931Ser]SSGPSSPESS